The following is an entry in ClinVar:

NM_016213.5(TRIP4):c.949C>T (p.Arg317Ter)

Gene: TRIP4 (thyroid hormone receptor interactor 4; plus strand). Cytogenetic location: 15q22.31.
Variant type: single nucleotide variant.
Coding change: c.949C>T on transcript NM_016213.5 (MANE Select); coding-DNA position 949, C replaced by T.
Protein change: p.Arg317Ter; replaces arginine 317 with a stop codon.
Molecular consequence: nonsense. On other transcripts: non-coding transcript variant (1).
Genome position (GRCh38, 1-based): chr15:64,409,734, C>T. VCF-style: chr15-64409734-C-T. GRCh37 (hg19) VCF-style: chr15-64701933-C-T.
Other names: c.259C>T, p.Arg87Ter (NM_001321924.2); short protein forms R317*, R87*.
Identifiers: ClinVar variation 3621461 (VCV003621461.2).

ClinVar aggregate classification (germline): Pathogenic (1 of 4 stars; one submission).

gnomAD v4.1: 33 of 1,613,978 alleles (0.002%); highest among the groups gnomAD compares: Non-Finnish European, 0.0026%; no homozygotes.

Submission:

Labcorp Genetics (formerly Invitae), Labcorp
Classification: Pathogenic. Last evaluated: 2024-08-14. Review status: criteria provided, single submitter. Criteria: Invitae Variant Classification Sherloc (09022015). Collection method: clinical testing. Allele origin: germline.
Comment: This sequence change creates a premature translational stop signal (p.Arg317*) in the TRIP4 gene. It is expected to result in an absent or disrupted protein product. Loss-of-function variants in TRIP4 are known to be pathogenic (PMID: 26924529, 27008887). This variant is present in population databases (rs368346982, gnomAD 0.002%). This variant has not been reported in the literature in individuals affected with TRIP4-related conditions. For these reasons, this variant has been classified as Pathogenic.

Literature cited by the submitters: PubMed 26924529; PubMed 27008887.